The following is an entry in ClinVar:

ClinVar aggregate classification (germline): Pathogenic (1 of 4 stars; one submission).

Conditions:
Fabry disease. Also called: ALPHA-GALACTOSIDASE A DEFICIENCY; ANDERSON-FABRY DISEASE; CERAMIDE TRIHEXOSIDASE DEFICIENCY; GLA DEFICIENCY; HEREDITARY DYSTOPIC LIPIDOSIS; Angiokeratoma corporis diffusum. Identifiers: Orphanet 324, MedGen C0002986, MONDO:0010526, OMIM 301500, HP:0001071. Disease mechanism: Fabry disease is due to inactivating mutations in the X-linked GLA gene resulting in deficiency of the enzyme Alpha Galactosidase-A., loss of function.

Submission:

Genomenon, Inc
Classification: Pathogenic for Fabry disease. Last evaluated: 2026-09-08. Review status: criteria provided, single submitter. Criteria: Genomenon Sequence Variant Interpretation Standards - Updated. Collection method: curation. Allele origin: germline. Affected: yes.
Comment: GLA p.Asn53LeufsTer67 (c.157_160del) is a frameshift variant that is predicted to introduce a premature termination codon and result in a truncated or absent protein product. This variant has been observed in at least one proband with clinical features consistent with Fabry disease (PMID:25955246;24094560;37940383). It is absent or not present at a significant frequency in gnomAD. In conclusion, we classify GLA p.Asn53LeufsTer67 (c.157_160del) as a pathogenic variant.

Literature cited by the submitters: PubMed 25955246; PubMed 24094560; PubMed 37940383.

NM_000169.3(GLA):c.157_160del (p.Asn53fs)

Genes: GLA (galactosidase alpha; minus strand), RPL36A-HNRNPH2 (RPL36A-HNRNPH2 readthrough; plus strand). Cytogenetic location: Xq22.1.
Variant type: Deletion.
Coding change: c.157_160del on transcript NM_000169.3 (MANE Select); coding-DNA positions 157 to 160, 4 bases deleted (AACC; older notation c.157_160delAACC).
Protein change: p.Asn53fs; shifts the reading frame from asparagine 53.
Molecular consequence: frameshift variant. On other transcripts: non-coding transcript variant (3), intron variant (2).
Genome position (GRCh38, 1-based): chrX:101,407,744-101,407,747, GGTT deleted on the plus strand (AACC on the coding strand, the reverse complement: GLA is on the minus strand); deleting any 4 consecutive bases within chrX:101,407,744-101,407,748 gives the same sequence; the c. name uses the placement nearest the transcript's 3' end. VCF-style (leftmost placement, unchanged base first): chrX-101407743-AGGTT-A. GRCh37 (hg19) VCF-style: chrX-100662731-AGGTT-A.
Other names: c.157_160del, p.Asn53fs (NM_001406747.1, NM_001406748.1, NM_001406749.1); c.301-4191_301-4188del (NM_001199973.2); c.178-4191_178-4188del (NM_001199974.2); short protein forms N53fs.
Identifiers: ClinVar variation 4087266 (VCV004087266.2).
Genomic context (GRCh38, chrX:101,407,743, plus strand): 5'-GGGAAGGGAGTACCCAATATCTGATACCTGATGCAGGAATCTGGCTCTTCCTGGCAGTCA[AGGTT>A]GCACATGAAGCGCTCCCAGTGCAGCCAGCCCATGGTAGGCGTCCTTGCCAATCCATTGTC-3'